The following is an entry in ClinVar:

NM_000722.4(CACNA2D1):c.560G>A (p.Ser187Asn)

Gene: CACNA2D1 (calcium voltage-gated channel auxiliary subunit alpha2delta 1; minus strand). Cytogenetic location: 7q21.11.
Variant type: single nucleotide variant.
Coding change: c.560G>A on transcript NM_000722.4 (MANE Select); coding-DNA position 560, G replaced by A.
Protein change: p.Ser187Asn; replaces serine 187 with asparagine.
Molecular consequence: missense variant.
Genome position (GRCh38, 1-based): chr7:82,084,867, C>T on the plus strand (G>A on the coding strand, the complement: CACNA2D1 is on the minus strand). VCF-style: chr7-82084867-C-T. GRCh37 (hg19) VCF-style: chr7-81714183-C-T.
Other names: c.560G>A, p.Ser187Asn (NM_001302890.2, NM_001366867.1); short protein forms S187N.
Identifiers: ClinVar variation 1496927 (VCV001496927.8), dbSNP rs955984125, ClinGen allele CA161608260.

ClinVar aggregate classification (germline): Uncertain significance (1 of 4 stars; one submission).

Conditions:
Brugada syndrome. Also called: Sudden unexpected nocturnal death syndrome; Sudden unexplained nocturnal death syndrome; Sudden Unexplained Death Syndrome; Sudden Unexplained Nocturnal Death Syndrome (SUNDS). Identifiers: Orphanet 130, MedGen C1142166, MONDO:0015263.

Allele frequency attached by ClinVar (database versions not stated): gnomAD 0.00002; TOPMed 0.00003.
gnomAD v4.1: 19 of 1,613,664 alleles (0.0012%); highest among the groups gnomAD compares: Admixed American, 0.005%; no homozygotes.

Submission:

Labcorp Genetics (formerly Invitae), Labcorp
Classification: Uncertain significance for Brugada syndrome. Last evaluated: 2021-05-30. Review status: criteria provided, single submitter. Criteria: Invitae Variant Classification Sherloc (09022015). Collection method: clinical testing. Allele origin: germline.
Comment: This sequence change replaces serine with asparagine at codon 187 of the CACNA2D1 protein (p.Ser187Asn). The serine residue is moderately conserved and there is a small physicochemical difference between serine and asparagine. This variant is not present in population databases (ExAC no frequency). This variant has not been reported in the literature in individuals with CACNA2D1-related conditions. Algorithms developed to predict the effect of missense changes on protein structure and function (SIFT, PolyPhen-2, Align-GVGD) all suggest that this variant is likely to be tolerated, but these predictions have not been confirmed by published functional studies and their clinical significance is uncertain. In summary, the available evidence is currently insufficient to determine the role of this variant in disease. Therefore, it has been classified as a Variant of Uncertain Significance.